The following is an entry in ClinVar:

NM_002184.4(IL6ST):c.2598A>T (p.Lys866Asn)

Gene: IL6ST (interleukin 6 cytokine family signal transducer; minus strand). Cytogenetic location: 5q11.2.
Variant type: single nucleotide variant.
Coding change: c.2598A>T on transcript NM_002184.4 (MANE Select); coding-DNA position 2598, A replaced by T.
Protein change: p.Lys866Asn; replaces lysine 866 with asparagine.
Molecular consequence: missense variant. On other transcripts: 3 prime UTR variant (1), non-coding transcript variant (2).
Genome position (GRCh38, 1-based): chr5:55,941,241, T>A on the plus strand (A>T on the coding strand, the complement: IL6ST is on the minus strand). VCF-style: chr5-55941241-T-A. GRCh37 (hg19) VCF-style: chr5-55237069-T-A.
Other names: c.2598A>T (NM_002184.3); c.2415A>T, p.Lys805Asn (NM_001190981.2); c.2496A>T, p.Lys832Asn (NM_001364275.2); c.2388A>T, p.Lys796Asn (NM_001364276.2); c.1731A>T, p.Lys577Asn (NM_001364277.2); c.1695A>T, p.Lys565Asn (NM_001364278.2); c.1602A>T, p.Lys534Asn (NM_001364279.2); c.*1525A>T (NM_175767.3); short protein forms K565N, K796N, K577N, K832N, K534N, K805N, K866N.
Identifiers: ClinVar variation 1440639 (VCV001440639.9), dbSNP rs372381572, ClinGen allele CA3271125.

ClinVar aggregate classification (germline): Uncertain significance. Review status: criteria provided, multiple submitters, no conflicts (2 of 4 stars). 2 submissions from 2 submitters: Uncertain significance (2). Last evaluated 2026-01-26.

Allele frequency attached by ClinVar (database versions not stated): gnomAD 0.00001 and 0.00003; TOPMed 0.00003; ExAC 0.00008; ESP Exome Variant Server 0.00008; gnomAD exomes 0.00009; 1000 Genomes Project 30x 0.00016; 1000 Genomes Project 0.00020.
gnomAD v4.1: 113 of 1,614,166 alleles (0.007%); highest among the groups gnomAD compares: Middle Eastern, 0.066%; no homozygotes.

Submissions (2):

Labcorp Genetics (formerly Invitae), Labcorp
Classification: Uncertain significance. Last evaluated: 2026-01-26. Review status: criteria provided, single submitter. Criteria: Invitae Variant Classification Sherloc (09022015). Collection method: clinical testing. Allele origin: germline.
Comment: This sequence change replaces lysine, which is basic and polar, with asparagine, which is neutral and polar, at codon 866 of the IL6ST protein (p.Lys866Asn). This variant is present in population databases (rs372381572, gnomAD 0.06%). This variant has not been reported in the literature in individuals affected with IL6ST-related conditions. ClinVar contains an entry for this variant (Variation ID: 1440639). An algorithm developed to predict the effect of missense changes on protein structure and function (PolyPhen-2) suggests that this variant is likely to be tolerated. In summary, the available evidence is currently insufficient to determine the role of this variant in disease. Therefore, it has been classified as a Variant of Uncertain Significance.

Ambry Genetics
Classification: Uncertain significance. Last evaluated: 2025-06-23. Review status: criteria provided, single submitter. Criteria: Ambry Variant Classification Scheme 2023. Collection method: clinical testing. Allele origin: germline.